The following is an entry in ClinVar:

ClinVar aggregate classification (germline): Pathogenic (1 of 4 stars; one submission).

Conditions:
Spermatogenic failure 18. Identifiers: MedGen C4539783, MONDO:0054615, OMIM 617576.
Ciliary dyskinesia, primary, 37 (CILD37). Also called: CILIARY DYSKINESIA, PRIMARY, 37, WITH OR WITHOUT SITUS INVERSUS. Identifiers: MedGen C4539798, MONDO:0033204, OMIM 617577.

Submission:

Labcorp Genetics (formerly Invitae), Labcorp
Classification: Pathogenic for Ciliary dyskinesia, primary, 37; Spermatogenic failure 18. Last evaluated: 2024-04-25. Review status: criteria provided, single submitter. Criteria: Invitae Variant Classification Sherloc (09022015). Collection method: clinical testing. Allele origin: germline.
Comment: This sequence change creates a premature translational stop signal (p.Ser3127*) in the DNAH1 gene. It is expected to result in an absent or disrupted protein product. Loss-of-function variants in DNAH1 are known to be pathogenic (PMID: 27573432, 27798045). This variant is not present in population databases (gnomAD no frequency). This variant has not been reported in the literature in individuals affected with DNAH1-related conditions. Algorithms developed to predict the effect of sequence changes on RNA splicing suggest that this variant may disrupt the consensus splice site. For these reasons, this variant has been classified as Pathogenic.

Literature cited by the submitters: PubMed 27573432; PubMed 27798045.

NM_015512.5(DNAH1):c.9380C>A (p.Ser3127Ter)

Gene: DNAH1 (dynein axonemal heavy chain 1; plus strand). Cytogenetic location: 3p21.1.
Variant type: single nucleotide variant.
Coding change: c.9380C>A on transcript NM_015512.5 (MANE Select); coding-DNA position 9380, C replaced by A.
Protein change: p.Ser3127Ter; replaces serine 3127 with a stop codon.
Molecular consequence: nonsense.
Genome position (GRCh38, 1-based): chr3:52,388,822, C>A. VCF-style: chr3-52388822-C-A. GRCh37 (hg19) VCF-style: chr3-52422838-C-A.
Other names: short protein forms S3127*.
Identifiers: ClinVar variation 3756065 (VCV003756065.2).
Genomic context (GRCh38, chr3:52,388,822, plus strand): 5'-TAGCCCAGCCTCCCAGAGCCCACCCCACGGGGCTGCCCCTCCAGCTCATCAACGGGCTGT[C>A]GGATGAGAAGGTGCGCTGGCAGGAGACGGTGGAGAACCTGCAGTACATGCTCAACAACAT-3'